The following is an entry in ClinVar:

ClinVar aggregate classification (germline): Benign/Likely benign. Review status: criteria provided, multiple submitters, no conflicts (2 of 4 stars). 6 submissions from 6 submitters: Benign (1); Likely benign (5). Last evaluated 2026-02-02.

Conditions:
Lynch syndrome 4 (LYNCH4). Also called: Colorectal cancer, hereditary nonpolyposis, type 4; Hereditary non-polyposis colorectal cancer, type 4. Identifiers: Orphanet 144, MedGen C1838333, MONDO:0013699, OMIM 614337. Disease mechanism: loss of function.
Hereditary nonpolyposis colorectal neoplasms. Identifiers: MedGen C0009405, MeSH D003123.
Hereditary cancer-predisposing syndrome. Also called: Neoplastic Syndromes, Hereditary; Tumor predisposition; Hereditary neoplastic syndrome; Hereditary Cancer Syndrome. Identifiers: Orphanet 140162, MedGen C0027672, MeSH D009386, MONDO:0015356.

Submissions (6):

Labcorp Genetics (formerly Invitae), Labcorp
Classification: Likely benign for Hereditary nonpolyposis colorectal neoplasms. Last evaluated: 2026-02-02. Review status: criteria provided, single submitter. Criteria: Invitae Variant Classification Sherloc (09022015). Collection method: clinical testing. Allele origin: germline.

Myriad Genetics, Inc.
Classification: Benign for Lynch syndrome 4. Last evaluated: 2025-02-04. Review status: criteria provided, single submitter. Criteria: Myriad Autosomal Dominant, Autosomal Recessive and X-Linked Classification Criteria (2023). Collection method: clinical testing. Allele origin: unknown.
Comment: This variant is considered benign. This variant is a silent/synonymous amino acid change and it is not expected to impact splicing.

Hereditary Cancer Laboratory, Hospital Universitario 12 de Octubre
Classification: Likely benign for Hereditary cancer-predisposing syndrome. Last evaluated: 2024-10-20. Review status: criteria provided, single submitter. Criteria: ACMG Guidelines, 2015. Collection method: clinical testing. Allele origin: germline.
Comment: PM2+BP4+BP6+BP7

Color Diagnostics, LLC DBA Color Health
Classification: Likely benign for Hereditary cancer-predisposing syndrome. Last evaluated: 2022-09-12. Review status: criteria provided, single submitter. Criteria: ACMG Guidelines, 2015. Collection method: clinical testing. Allele origin: germline.

CeGaT Center for Human Genetics Tuebingen
Classification: Likely benign. Last evaluated: 2022-09-01. Review status: criteria provided, single submitter. Criteria: CeGaT Center For Human Genetics Tuebingen Variant Classification Criteria Version 2. Collection method: clinical testing. Allele origin: germline. Affected: yes. Observed: 1 variant allele.
Comment: PMS2: PM2:Supporting, BP4, BP7

Ambry Genetics
Classification: Likely benign for Hereditary cancer-predisposing syndrome. Last evaluated: 2022-05-02. Review status: criteria provided, single submitter. Criteria: Ambry Variant Classification Scheme 2023. Collection method: clinical testing. Allele origin: germline.

NM_000535.7(PMS2):c.2496C>T (p.Thr832=)

Gene: PMS2 (PMS1 homolog 2, mismatch repair system component; minus strand). Cytogenetic location: 7p22.1.
Variant type: single nucleotide variant.
Coding change: c.2496C>T on transcript NM_000535.7 (MANE Select); coding-DNA position 2496, C replaced by T.
Protein change: p.Thr832=; no amino-acid change (threonine 832 retained).
Molecular consequence: synonymous variant. On other transcripts: non-coding transcript variant (1).
Genome position (GRCh38, 1-based): chr7:5,973,492, G>A on the plus strand (C>T on the coding strand, the complement: PMS2 is on the minus strand). VCF-style: chr7-5973492-G-A. GRCh37 (hg19) VCF-style: chr7-6013123-G-A.
Other names: c.1935C>T, p.Thr645= (NM_001322010.2); c.1563C>T, p.Thr521= (NM_001322011.2, NM_001322012.2); c.1923C>T, p.Thr641= (NM_001322013.2); c.2529C>T, p.Thr843= (NM_001322014.2); c.2187C>T, p.Thr729= (NM_001322015.2); c.2091C>T, p.Thr697= (NM_001322003.2, NM_001322004.2, NM_001322005.2); c.2340C>T, p.Thr780= (NM_001322006.2); c.2178C>T, p.Thr726= (NM_001322007.2, NM_001322008.2); and 1 more.
Identifiers: ClinVar variation 699923 (VCV000699923.38), dbSNP rs746653856, ClinGen allele CA453642106.